The following is an entry in ClinVar:

ClinVar aggregate classification (germline): Uncertain significance. Review status: criteria provided, multiple submitters, no conflicts (2 of 4 stars). 3 submissions from 3 submitters: Uncertain significance (3). Last evaluated 2025-09-01.

Conditions:
Hereditary cancer-predisposing syndrome. Also called: Neoplastic Syndromes, Hereditary; Hereditary neoplastic syndrome; Hereditary Cancer Syndrome; Tumor predisposition. Identifiers: Orphanet 140162, MedGen C0027672, MeSH D009386, MONDO:0015356.
POLD1-related polyposis and colorectal cancer syndrome (CRCS10). Also called: Colorectal cancer, susceptibility to, 10; Colorectal cancer 10; COLORECTAL CANCER, SUSCEPTIBILITY TO, ON CHROMOSOME 19q. Identifiers: Orphanet 220460, MedGen C2675481, MONDO:0012953, OMIM 612591.

Submissions (3):

Labcorp Genetics (formerly Invitae), Labcorp
Classification: Uncertain significance for POLD1-related polyposis and colorectal cancer syndrome. Last evaluated: 2025-09-01. Review status: criteria provided, single submitter. Criteria: Invitae Variant Classification Sherloc (09022015). Collection method: clinical testing. Allele origin: germline.
Comment: This sequence change replaces isoleucine, which is neutral and non-polar, with phenylalanine, which is neutral and non-polar, at codon 587 of the POLD1 protein (p.Ile587Phe). This variant is not present in population databases (gnomAD no frequency). This variant has not been reported in the literature in individuals affected with POLD1-related conditions. ClinVar contains an entry for this variant (Variation ID: 408067). Invitae Evidence Modeling of protein sequence and biophysical properties (such as structural, functional, and spatial information, amino acid conservation, physicochemical variation, residue mobility, and thermodynamic stability) indicates that this missense variant is not expected to disrupt POLD1 protein function with a negative predictive value of 80%. In summary, the available evidence is currently insufficient to determine the role of this variant in disease. Therefore, it has been classified as a Variant of Uncertain Significance.

Ambry Genetics
Classification: Uncertain significance for Hereditary cancer-predisposing syndrome. Last evaluated: 2024-04-10. Review status: criteria provided, single submitter. Criteria: Ambry Variant Classification Scheme 2023. Collection method: clinical testing. Allele origin: germline.
Comment: The p.I587F variant (also known as c.1759A>T), located in coding exon 13 of the POLD1 gene, results from an A to T substitution at nucleotide position 1759. The isoleucine at codon 587 is replaced by phenylalanine, an amino acid with highly similar properties. This amino acid position is conserved. In addition, the in silico prediction for this alteration is inconclusive. Since supporting evidence is limited at this time, the clinical significance of this alteration remains unclear.

GeneDx
Classification: Uncertain significance. Last evaluated: 2020-03-13. Review status: criteria provided, single submitter. Criteria: GeneDx Variant Classification Process June 2021. Collection method: clinical testing. Allele origin: germline. Affected: yes.
Comment: Not observed in large population cohorts (Lek et al., 2016); In silico analysis supports that this missense variant has a deleterious effect on protein structure/function; Has not been previously published as pathogenic or benign to our knowledge

NM_002691.4(POLD1):c.1759A>T (p.Ile587Phe)

Gene: POLD1 (DNA polymerase delta 1, catalytic subunit; plus strand). Cytogenetic location: 19q13.33.
Variant type: single nucleotide variant.
Coding change: c.1759A>T on transcript NM_002691.4 (MANE Select); coding-DNA position 1759, A replaced by T.
Protein change: p.Ile587Phe; replaces isoleucine 587 with phenylalanine.
Molecular consequence: missense variant. On other transcripts: non-coding transcript variant (1).
Genome position (GRCh38, 1-based): chr19:50,407,399, A>T. VCF-style: chr19-50407399-A-T. GRCh37 (hg19) VCF-style: chr19-50910656-A-T.
Other names: c.1759A>T, p.Ile587Phe (NM_001256849.1, NM_001308632.1); short protein forms I587F.
Identifiers: ClinVar variation 408067 (VCV000408067.15), dbSNP rs1060501838, ClinGen allele CA16616379.